The following is an entry in ClinVar:

ClinVar aggregate classification (germline): Uncertain significance (1 of 4 stars; one submission).

Allele frequency attached by ClinVar (database versions not stated): gnomAD exomes 0.00001; TOPMed 0.00001.
gnomAD v4.1: 2 of 1,614,188 alleles (0.00012%); highest among the groups gnomAD compares: East Asian, 0.0022%; no homozygotes.

Submission:

Labcorp Genetics (formerly Invitae), Labcorp
Classification: Uncertain significance. Last evaluated: 2022-02-10. Review status: criteria provided, single submitter. Criteria: Invitae Variant Classification Sherloc (09022015). Collection method: clinical testing. Allele origin: germline.
Comment: This sequence change replaces aspartic acid, which is acidic and polar, with glutamic acid, which is acidic and polar, at codon 668 of the AHR protein (p.Asp668Glu). This variant is present in population databases (no rsID available, gnomAD 0.01%). This variant has not been reported in the literature in individuals affected with AHR-related conditions. ClinVar contains an entry for this variant (Variation ID: 958185). Algorithms developed to predict the effect of missense changes on protein structure and function output the following: SIFT: "Tolerated"; PolyPhen-2: "Benign"; Align-GVGD: "Class C0". The glutamic acid amino acid residue is found in multiple mammalian species, which suggests that this missense change does not adversely affect protein function. In summary, the available evidence is currently insufficient to determine the role of this variant in disease. Therefore, it has been classified as a Variant of Uncertain Significance.

NM_001621.5(AHR):c.2004C>G (p.Asp668Glu)

Gene: AHR (aryl hydrocarbon receptor; plus strand). Cytogenetic location: 7p21.1.
Variant type: single nucleotide variant.
Coding change: c.2004C>G on transcript NM_001621.5 (MANE Select); coding-DNA position 2004, C replaced by G.
Protein change: p.Asp668Glu; replaces aspartic acid 668 with glutamic acid.
Molecular consequence: missense variant.
Genome position (GRCh38, 1-based): chr7:17,339,829, C>G. VCF-style: chr7-17339829-C-G. GRCh37 (hg19) VCF-style: chr7-17379453-C-G.
Other names: short protein forms D668E.
Identifiers: ClinVar variation 958185 (VCV000958185.7), dbSNP rs1318083010, ClinGen allele CA366895700.